The following is an entry in ClinVar:

NM_002691.4(POLD1):c.2518G>A (p.Val840Met)

Gene: POLD1 (DNA polymerase delta 1, catalytic subunit; plus strand). Cytogenetic location: 19q13.33.
Variant type: single nucleotide variant.
Coding change: c.2518G>A on transcript NM_002691.4 (MANE Select); coding-DNA position 2518, G replaced by A.
Protein change: p.Val840Met; replaces valine 840 with methionine.
Molecular consequence: missense variant. On other transcripts: non-coding transcript variant (1).
Genome position (GRCh38, 1-based): chr19:50,414,944, G>A. VCF-style: chr19-50414944-G-A. GRCh37 (hg19) VCF-style: chr19-50918201-G-A.
Other names: c.2518G>A, p.Val840Met (NM_001256849.1); c.2596G>A, p.Val866Met (NM_001308632.1); short protein forms V866M, V840M.
Identifiers: ClinVar variation 469270 (VCV000469270.14), dbSNP rs763443242, ClinGen allele CA9596543.

ClinVar aggregate classification (germline): Uncertain significance. Review status: criteria provided, multiple submitters, no conflicts (2 of 4 stars). 4 submissions from 4 submitters: Uncertain significance (4). Last evaluated 2025-12-01.

Conditions:
Hereditary cancer-predisposing syndrome. Also called: Neoplastic Syndromes, Hereditary; Hereditary neoplastic syndrome; Tumor predisposition; Hereditary Cancer Syndrome. Identifiers: Orphanet 140162, MedGen C0027672, MeSH D009386, MONDO:0015356.
POLD1-related polyposis and colorectal cancer syndrome (CRCS10). Also called: Colorectal cancer 10; COLORECTAL CANCER, SUSCEPTIBILITY TO, ON CHROMOSOME 19q; Colorectal cancer, susceptibility to, 10. Identifiers: Orphanet 220460, MedGen C2675481, MONDO:0012953, OMIM 612591.

Allele frequency attached by ClinVar (database versions not stated): TOPMed below 0.00001; gnomAD 0.00001.
gnomAD v4.1: 8 of 1,607,480 alleles (0.0005%); highest among the groups gnomAD compares: African/African-American, 0.0013%; no homozygotes.

Submissions (4):

Labcorp Genetics (formerly Invitae), Labcorp
Classification: Uncertain significance for POLD1-related polyposis and colorectal cancer syndrome. Last evaluated: 2025-12-01. Review status: criteria provided, single submitter. Criteria: Invitae Variant Classification Sherloc (09022015). Collection method: clinical testing. Allele origin: germline.
Comment: This sequence change replaces valine, which is neutral and non-polar, with methionine, which is neutral and non-polar, at codon 840 of the POLD1 protein (p.Val840Met). This variant is present in population databases (rs763443242, gnomAD 0.007%). This variant has not been reported in the literature in individuals affected with POLD1-related conditions. ClinVar contains an entry for this variant (Variation ID: 469270). Invitae Evidence Modeling of protein sequence and biophysical properties (such as structural, functional, and spatial information, amino acid conservation, physicochemical variation, residue mobility, and thermodynamic stability) indicates that this missense variant is not expected to disrupt POLD1 protein function with a negative predictive value of 80%. In summary, the available evidence is currently insufficient to determine the role of this variant in disease. Therefore, it has been classified as a Variant of Uncertain Significance.

Ambry Genetics
Classification: Uncertain significance for Hereditary cancer-predisposing syndrome. Last evaluated: 2024-04-01. Review status: criteria provided, single submitter. Criteria: Ambry Variant Classification Scheme 2023. Collection method: clinical testing. Allele origin: germline.
Comment: The p.V840M variant (also known as c.2518G>A), located in coding exon 19 of the POLD1 gene, results from a G to A substitution at nucleotide position 2518. The valine at codon 840 is replaced by methionine, an amino acid with highly similar properties. This amino acid position is conserved. In addition, this alteration is predicted to be tolerated by in silico analysis. Since supporting evidence is limited at this time, the clinical significance of this alteration remains unclear.

GeneDx
Classification: Uncertain significance. Last evaluated: 2021-11-04. Review status: criteria provided, single submitter. Criteria: GeneDx Variant Classification Process June 2021. Collection method: clinical testing. Allele origin: germline. Affected: yes.
Comment: Not observed at significant frequency in large population cohorts (Lek 2016); In silico analysis supports that this missense variant has a deleterious effect on protein structure/function; Has not been previously published as pathogenic or benign to our knowledge; This variant is associated with the following publications: (PMID: 29056344)

Quest Diagnostics Nichols Institute San Juan Capistrano
Classification: Uncertain significance. Last evaluated: 2018-06-15. Review status: criteria provided, single submitter. Criteria: Quest Diagnostics criteria. Collection method: clinical testing. Allele origin: germline.